The following is an entry in ClinVar:

ClinVar aggregate classification (germline): Conflicting classifications of pathogenicity. Review status: criteria provided, conflicting classifications (1 of 4 stars). 3 submissions from 3 submitters: Uncertain significance (1); Likely benign (2). Last evaluated 2025-02-16.

Conditions:
Pilarowski-Bjornsson syndrome. Also called: DEVELOPMENTAL DELAY AND SPEECH APRAXIA WITH OR WITHOUT SEIZURES. Identifiers: Orphanet 529965, MedGen C4540131, MONDO:0060568, OMIM 617682.

Allele frequency attached by ClinVar (database versions not stated): ExAC 0.00009.

Submissions (3):

Laboratory of Genetics, Children's Clinical University Hospital Latvia
Classification: Likely benign. Last evaluated: 2025-02-16. Review status: criteria provided, single submitter. Criteria: ACMG Guidelines, 2015. Collection method: clinical testing. Allele origin: germline. Affected: yes.

CeGaT Center for Human Genetics Tuebingen
Classification: Likely benign. Last evaluated: 2024-11-01. Review status: criteria provided, single submitter. Criteria: CeGaT Center For Human Genetics Tuebingen Variant Classification Criteria Version 2. Collection method: clinical testing. Allele origin: germline. Affected: yes. Observed: 5 variant alleles.
Comment: CHD1: BP4, BS2

Revvity Omics, Revvity
Classification: Uncertain significance for Pilarowski-Bjornsson syndrome. Last evaluated: 2019-11-15. Review status: criteria provided, single submitter. Criteria: ACMG Guidelines, 2015. Collection method: clinical testing. Allele origin: germline.

NM_001270.4(CHD1):c.2964+3A>G

Gene: CHD1 (chromodomain helicase DNA binding protein 1; minus strand). Cytogenetic location: 5q15.
Variant type: single nucleotide variant.
Coding change: c.2964+3A>G on transcript NM_001270.4 (MANE Select); 3 bases into the intron after coding-DNA position 2964, A replaced by G.
Molecular consequence: intron variant.
Genome position (GRCh38, 1-based): chr5:98,881,276, T>C on the plus strand (A>G on the coding strand, the complement: CHD1 is on the minus strand). VCF-style: chr5-98881276-T-C. GRCh37 (hg19) VCF-style: chr5-98216980-T-C.
Other names: c.2964+3A>G (NM_001376194.2, NM_001364113.3).
Identifiers: ClinVar variation 2439964 (VCV002439964.28), dbSNP rs760755215, ClinGen allele CA3356065.